The following is an entry in ClinVar:

ClinVar aggregate classification (germline): Uncertain significance (1 of 4 stars; one submission).

Conditions:
Fanconi anemia complementation group O. Also called: RAD51C-Related Fanconi Anemia. Identifiers: Orphanet 84, MedGen C3150653, MONDO:0013248, OMIM 613390.

Submission:

Labcorp Genetics (formerly Invitae), Labcorp
Classification: Uncertain significance for Fanconi anemia complementation group O. Last evaluated: 2023-07-11. Review status: criteria provided, single submitter. Criteria: Invitae Variant Classification Sherloc (09022015). Collection method: clinical testing. Allele origin: germline.
Comment: In summary, the available evidence is currently insufficient to determine the role of this variant in disease. Therefore, it has been classified as a Variant of Uncertain Significance. Advanced modeling of protein sequence and biophysical properties (such as structural, functional, and spatial information, amino acid conservation, physicochemical variation, residue mobility, and thermodynamic stability) performed at Invitae indicates that this missense variant is not expected to disrupt RAD51C protein function. This variant has not been reported in the literature in individuals affected with RAD51C-related conditions. This variant is not present in population databases (gnomAD no frequency). This sequence change replaces cysteine, which is neutral and slightly polar, with phenylalanine, which is neutral and non-polar, at codon 85 of the RAD51C protein (p.Cys85Phe).

NM_058216.3(RAD51C):c.254G>T (p.Cys85Phe)

Gene: RAD51C (RAD51 paralog C; plus strand). Cytogenetic location: 17q22.
Variant type: single nucleotide variant.
Coding change: c.254G>T on transcript NM_058216.3 (MANE Select); coding-DNA position 254, G replaced by T.
Protein change: p.Cys85Phe; replaces cysteine 85 with phenylalanine.
Molecular consequence: missense variant. On other transcripts: non-coding transcript variant (2).
Genome position (GRCh38, 1-based): chr17:58,695,039, G>T. VCF-style: chr17-58695039-G-T. GRCh37 (hg19) VCF-style: chr17-56772400-G-T.
Other names: c.254G>T, p.Cys85Phe (NM_002876.4, NM_058217.1); short protein forms C85F.
Identifiers: ClinVar variation 2741505 (VCV002741505.3), dbSNP rs1555593627, ClinGen allele CA400340448.